The following is an entry in ClinVar:

NM_182493.3(MYLK3):c.1298G>A (p.Ser433Asn)

Gene: MYLK3 (myosin light chain kinase 3; minus strand). Cytogenetic location: 16q11.2.
Variant type: single nucleotide variant.
Coding change: c.1298G>A on transcript NM_182493.3 (MANE Select); coding-DNA position 1298, G replaced by A.
Protein change: p.Ser433Asn; replaces serine 433 with asparagine.
Molecular consequence: missense variant.
Genome position (GRCh38, 1-based): chr16:46,732,372, C>T on the plus strand (G>A on the coding strand, the complement: MYLK3 is on the minus strand). VCF-style: chr16-46732372-C-T. GRCh37 (hg19) VCF-style: chr16-46766284-C-T.
Other names: c.275G>A, p.Ser92Asn (NM_001308301.1); short protein forms S433N, S92N.
Identifiers: ClinVar variation 2507961 (VCV002507961.5), dbSNP rs571434659, ClinGen allele CA8038025.
Genomic context (GRCh38, chr16:46,732,372, plus strand): 5'-GCCCCTGGGCTTTTGCCCTGCTGCAGGCCCAGGGCCCCAACCTCGTGGTCATTGTCGTCA[C>T]TCCTGGCCAAGCTTGGTCTCGTGCCAGGCTCGGCCCCAGCCCTTTGCTCCTCCTCTGCCT-3'
Protein context (NP_872299.2, residues 423-443): EPGTRPSLAR[Ser433Asn]DDNDHEVGAL

ClinVar aggregate classification (germline): Uncertain significance. Review status: criteria provided, multiple submitters, no conflicts (2 of 4 stars). 2 submissions from 2 submitters: Uncertain significance (2). Last evaluated 2025-12-03.

Allele frequency attached by ClinVar (database versions not stated): TOPMed 0.00002; ExAC 0.00003; gnomAD 0.00001; 1000 Genomes Project 30x 0.00016; 1000 Genomes Project 0.00020.
gnomAD v4.1: 17 of 1,613,674 alleles (0.0011%); highest among the groups gnomAD compares: East Asian, 0.029%; no homozygotes.

Submissions (2):

Labcorp Genetics (formerly Invitae), Labcorp
Classification: Uncertain significance. Last evaluated: 2025-12-03. Review status: criteria provided, single submitter. Criteria: Invitae Variant Classification Sherloc (09022015). Collection method: clinical testing. Allele origin: germline.
Comment: This sequence change replaces serine, which is neutral and polar, with asparagine, which is neutral and polar, at codon 433 of the MYLK3 protein (p.Ser433Asn). This variant is present in population databases (rs571434659, gnomAD 0.04%). This variant has not been reported in the literature in individuals affected with MYLK3-related conditions. ClinVar contains an entry for this variant (Variation ID: 2507961). An algorithm developed to predict the effect of missense changes on protein structure and function (PolyPhen-2) suggests that this variant is likely to be tolerated. In summary, the available evidence is currently insufficient to determine the role of this variant in disease. Therefore, it has been classified as a Variant of Uncertain Significance.

Ambry Genetics
Classification: Uncertain significance. Last evaluated: 2023-05-31. Review status: criteria provided, single submitter. Criteria: Ambry Variant Classification Scheme 2023. Collection method: clinical testing. Allele origin: germline.